The following is an entry in ClinVar:

ClinVar aggregate classification (germline): Uncertain significance (1 of 4 stars; one submission).

Conditions:
Immunodeficiency 39 (IMD39). Identifiers: Orphanet 574918, MedGen C4225358, MONDO:0014597, OMIM 616345.

Submission:

Labcorp Genetics (formerly Invitae), Labcorp
Classification: Uncertain significance for Immunodeficiency 39. Last evaluated: 2019-10-16. Review status: criteria provided, single submitter. Criteria: Invitae Variant Classification Sherloc (09022015). Collection method: clinical testing. Allele origin: germline.
Comment: In summary, the available evidence is currently insufficient to determine the role of this variant in disease. Therefore, it has been classified as a Variant of Uncertain Significance. Algorithms developed to predict the effect of missense changes on protein structure and function (SIFT, PolyPhen-2, Align-GVGD) all suggest that this variant is likely to be tolerated, but these predictions have not been confirmed by published functional studies and their clinical significance is uncertain. This variant has not been reported in the literature in individuals with IRF7-related conditions. This variant is not present in population databases (ExAC no frequency). This sequence change replaces methionine with isoleucine at codon 120 of the IRF7 protein (p.Met120Ile). The methionine residue is moderately conserved and there is a small physicochemical difference between methionine and isoleucine.

NM_001572.5(IRF7):c.321G>C (p.Met107Ile)

Gene: IRF7 (interferon regulatory factor 7; minus strand). Cytogenetic location: 11p15.5.
Variant type: single nucleotide variant.
Coding change: c.321G>C on transcript NM_001572.5 (MANE Select); coding-DNA position 321, G replaced by C.
Protein change: p.Met107Ile; replaces methionine 107 with isoleucine.
Molecular consequence: missense variant.
Genome position (GRCh38, 1-based): chr11:614,870, C>G on the plus strand (G>C on the coding strand, the complement: IRF7 is on the minus strand). VCF-style: chr11-614870-C-G. GRCh37 (hg19) VCF-style: chr11-614870-C-G.
Other names: c.321G>C, p.Met107Ile (NM_004029.4); c.360G>C, p.Met120Ile (NM_004031.4); short protein forms M107I, M120I.
Identifiers: ClinVar variation 967800 (VCV000967800.9), dbSNP rs1856731863, ClinGen allele CA378983081.
Genomic context (GRCh38, chr11:614,870, plus strand): 5'-CTCCCGGCTGAGCGCGTACACCTTGTGCGGGTCGGCCGGGTCCCCCGAGTTATCCCGCAG[C>G]ATCACGAAGCGACGCGTGCTGCGCAGTGCGCAGCGGAAGTTGGTTTTCCAGCCGGCGCGC-3'
Protein context (NP_001563.2, residues 97-117): CALRSTRRFV[Met107Ile]LRDNSGDPAD